The following is an entry in ClinVar:

NM_004429.5(EFNB1):c.869G>T (p.Gly290Val)

Gene: EFNB1 (ephrin B1; plus strand). Cytogenetic location: Xq13.1.
Variant type: single nucleotide variant.
Coding change: c.869G>T on transcript NM_004429.5 (MANE Select); coding-DNA position 869, G replaced by T.
Protein change: p.Gly290Val; replaces glycine 290 with valine.
Molecular consequence: missense variant.
Genome position (GRCh38, 1-based): chrX:68,840,482, G>T. VCF-style: chrX-68840482-G-T. GRCh37 (hg19) VCF-style: chrX-68060325-G-T.
Other names: short protein forms G290V.
Identifiers: ClinVar variation 2011006 (VCV002011006.4), dbSNP rs2080474640, ClinGen allele CA413438903.

ClinVar aggregate classification (germline): Uncertain significance (1 of 4 stars; one submission).

Submission:

Labcorp Genetics (formerly Invitae), Labcorp
Classification: Uncertain significance. Last evaluated: 2022-07-30. Review status: criteria provided, single submitter. Criteria: Invitae Variant Classification Sherloc (09022015). Collection method: clinical testing. Allele origin: germline.
Comment: This sequence change replaces glycine, which is neutral and non-polar, with valine, which is neutral and non-polar, at codon 290 of the EFNB1 protein (p.Gly290Val). This variant is not present in population databases (gnomAD no frequency). This variant has not been reported in the literature in individuals affected with EFNB1-related conditions. Algorithms developed to predict the effect of missense changes on protein structure and function (SIFT, PolyPhen-2, Align-GVGD) all suggest that this variant is likely to be tolerated. In summary, the available evidence is currently insufficient to determine the role of this variant in disease. Therefore, it has been classified as a Variant of Uncertain Significance.